The following is an entry in ClinVar:

NM_005120.3(MED12):c.2350C>T (p.Arg784Cys)

Gene: MED12 (mediator complex subunit 12; plus strand). Cytogenetic location: Xq13.1.
Variant type: single nucleotide variant.
Coding change: c.2350C>T on transcript NM_005120.3 (MANE Select); coding-DNA position 2350, C replaced by T.
Protein change: p.Arg784Cys; replaces arginine 784 with cysteine.
Molecular consequence: missense variant.
Genome position (GRCh38, 1-based): chrX:71,125,474, C>T. VCF-style: chrX-71125474-C-T. GRCh37 (hg19) VCF-style: chrX-70345324-C-T.
Other names: c.2350C>T (NM_005120.2); short protein forms R784C.
Identifiers: ClinVar variation 1499886 (VCV001499886.8), dbSNP rs2147793341, ClinGen allele CA413514590.

ClinVar aggregate classification (germline): Uncertain significance. Review status: criteria provided, multiple submitters, no conflicts (2 of 4 stars). 3 submissions from 3 submitters: Uncertain significance (3). Last evaluated 2023-06-27.

Conditions:
FG syndrome (FGS). Identifiers: MedGen C0220769, MONDO:0002010.

Submissions (3):

Women's Health and Genetics/Laboratory Corporation of America, LabCorp
Classification: Uncertain significance. Last evaluated: 2023-06-27. Review status: criteria provided, single submitter. Criteria: LabCorp Variant Classification Summary - May 2015. Collection method: clinical testing. Allele origin: germline.
Comment: Variant summary: MED12 c.2350C>T (p.Arg784Cys) results in a non-conservative amino acid change in the encoded protein sequence. Four of five in-silico tools predict a damaging effect of the variant on protein function. The variant was absent in 181577 control chromosomes. The available data on variant occurrences in the general population are insufficient to allow any conclusion about variant significance. To our knowledge, no occurrence of c.2350C>T in individuals affected with MED12-Related Disorders and no experimental evidence demonstrating its impact on protein function have been reported. One submitter has cited clinical-significance assessments for this variant to ClinVar after 2014 and has classified the variant as uncertain significance. Based on the evidence outlined above, the variant was classified as uncertain significance.

Labcorp Genetics (formerly Invitae), Labcorp
Classification: Uncertain significance for FG syndrome. Last evaluated: 2021-11-05. Review status: criteria provided, single submitter. Criteria: Invitae Variant Classification Sherloc (09022015). Collection method: clinical testing. Allele origin: germline.
Comment: In summary, the available evidence is currently insufficient to determine the role of this variant in disease. Therefore, it has been classified as a Variant of Uncertain Significance. This sequence change replaces arginine, which is basic and polar, with cysteine, which is neutral and slightly polar, at codon 784 of the MED12 protein (p.Arg784Cys). This variant is not present in population databases (gnomAD no frequency). This variant has not been reported in the literature in individuals affected with MED12-related conditions. Algorithms developed to predict the effect of missense changes on protein structure and function are either unavailable or do not agree on the potential impact of this missense change (SIFT: "Deleterious"; PolyPhen-2: "Benign"; Align-GVGD: "Class C65").

Blueprint Genetics
Classification: Uncertain significance. Last evaluated: 2020-06-10. Review status: criteria provided, single submitter. Criteria: ACMG Guidelines, 2015. Collection method: clinical testing. Allele origin: germline.